The following is an entry in ClinVar:

ClinVar aggregate classification (germline): Uncertain significance. Review status: criteria provided, single submitter (1 of 4 stars). 2 submissions from 2 submitters: Uncertain significance (1). 1 of the submissions does not count toward it. Last evaluated 2024-01-04.

Conditions:
Pyruvate dehydrogenase E1-alpha deficiency (PDHAD). Also called: ATAXIA, INTERMITTENT, WITH PYRUVATE DEHYDROGENASE DEFICIENCY; ATAXIA WITH LACTIC ACIDOSIS I; ATAXIA, INTERMITTENT, WITH ABNORMAL PYRUVATE METABOLISM; Ataxia, intermittent, with pyruvate dehydrogenase, or decarboxylase, deficiency. Identifiers: Orphanet 79243, MedGen C1839413, MONDO:0010717, OMIM 312170.

Submissions (2):

GeneDx
Classification: Uncertain significance. Last evaluated: 2024-01-04. Review status: criteria provided, single submitter. Criteria: GeneDx Variant Classification Process June 2021. Collection method: clinical testing. Allele origin: germline. Affected: yes.
Comment: Not observed at significant frequency in large population cohorts (gnomAD); In silico analysis supports that this missense variant has a deleterious effect on protein structure/function; Has not been previously published as pathogenic or benign to our knowledge

PDHA1 Study Group, University Children’s Hospital, Paracelsus Medical University
Classification: Likely pathogenic for Pyruvate dehydrogenase E1-alpha deficiency. Last evaluated: 2024-10-15. Review status: no assertion criteria provided. Collection method: research. Allele origin: germline. Affected: yes. Observed: 2 variant alleles. Not counted in ClinVar's aggregate classification.
Comment: The NM_000284.3:c.931A>G (p.Arg311Gly) substitution is a missense variant in PDHA1 gene. In total, 2 individuals were diagnosed with PDHA1-related Pyruvate dehydrogenase complex (PDHc) deficiency (MIM #312170). This variant has been identified in 2 unpublished cases from internal data. Last literature search: July 12, 2024. This variant is absent or extremely rare in population-based cohorts in the Genome Aggregation Database (gnomAD). Individuals harboring this variant presented with clinical features compatible with PDHA1-related PDHc deficiency. In summary, this variant meets criteria to be classified as likely pathogenic (LP) for PDHA1-related PDHc deficiency based on the ACMG/AMP criteria applied: PM1, PM2, PM7, PP3 (last assessment October 15, 2024).

Literature cited by the submitters: DOI 10.1093/brain/awaf430 (cited by PDHA1 Study Group, University Children’s Hospital, Paracelsus Medical University).

NM_000284.4(PDHA1):c.931A>G (p.Arg311Gly)

Gene: PDHA1 (pyruvate dehydrogenase E1 subunit alpha 1; plus strand). Cytogenetic location: Xp22.12.
Variant type: single nucleotide variant.
Coding change: c.931A>G on transcript NM_000284.4 (MANE Select); coding-DNA position 931, A replaced by G.
Protein change: p.Arg311Gly; replaces arginine 311 with glycine.
Molecular consequence: missense variant.
Genome position (GRCh38, 1-based): chrX:19,358,947, A>G. VCF-style: chrX-19358947-A-G. GRCh37 (hg19) VCF-style: chrX-19377065-A-G.
Other names: c.1045A>G, p.Arg349Gly (NM_001173454.2); c.952A>G, p.Arg318Gly (NM_001173455.2); c.838A>G, p.Arg280Gly (NM_001173456.2); short protein forms R280G, R311G, R318G, R349G.
Identifiers: ClinVar variation 3342926 (VCV003342926.2).
Genomic context (GRCh38, chrX:19,358,947, plus strand): 5'-GATCGATTACTACTTTTCCCTCCCCATAGTTACCGTACACGAGAAGAAATTCAGGAAGTA[A>G]GAAGTAAGAGTGACCCTATTATGCTTCTCAAGGACAGGATGGTGAACAGCAATCTTGCCA-3'
Protein context (NP_000275.1, residues 301-321): YRTREEIQEV[Arg311Gly]SKSDPIMLLK